The following is an entry in ClinVar:

NM_001267550.2(TTN):c.62911G>T (p.Glu20971Ter)

Genes: TTN (titin; minus strand), TTN-AS1 (TTN antisense RNA 1; plus strand). Cytogenetic location: 2q31.2.
Variant type: single nucleotide variant.
Coding change: c.62911G>T on transcript NM_001267550.2 (MANE Select); coding-DNA position 62911, G replaced by T.
Protein change: p.Glu20971Ter; replaces glutamic acid 20971 with a stop codon.
Molecular consequence: nonsense.
Genome position (GRCh38, 1-based): chr2:178,588,814, C>A on the plus strand (G>T on the coding strand, the complement: TTN is on the minus strand). VCF-style: chr2-178588814-C-A. GRCh37 (hg19) VCF-style: chr2-179453541-C-A.
Other names: c.57988G>T, p.Glu19330Ter (NM_001256850.1); c.35716G>T, p.Glu11906Ter (NM_003319.4); c.55207G>T, p.Glu18403Ter (NM_133378.4); c.36091G>T, p.Glu12031Ter (NM_133432.3); c.36292G>T, p.Glu12098Ter (NM_133437.4); short protein forms E12031*, E11906*, E20971*, E19330*, E12098*, E18403*.
Identifiers: ClinVar variation 2952359 (VCV002952359.3), dbSNP rs2469366209, ClinGen allele CA349459109.
Genomic context (GRCh38, chr2:178,588,814, plus strand): 5'-CATCATATTCAGGTGGATTCCAAACCACAGTCATCTCTTCTTTGCTTACTTTAGTGACTT[C>A]TGGGGGATCAGGGCGACCAGGTTTATCATACTTGGTTTTGGCTATGACTGGTTTACTTTC-3'

ClinVar aggregate classification (germline): Likely pathogenic (1 of 4 stars; one submission).

Conditions:
Dilated cardiomyopathy 1G (CMD1G). Identifiers: Orphanet 154, MedGen C1858763, MONDO:0011400, OMIM 604145.
Autosomal recessive limb-girdle muscular dystrophy type 2J (LGMDR10). Also called: Limb-girdle muscular dystrophy, type 2J; MUSCULAR DYSTROPHY, LIMB-GIRDLE, AUTOSOMAL RECESSIVE 10. Identifiers: Orphanet 140922, MedGen C1837342, MONDO:0012127, OMIM 608807.

Submission:

Labcorp Genetics (formerly Invitae), Labcorp
Classification: Likely pathogenic for Dilated cardiomyopathy 1G; Autosomal recessive limb-girdle muscular dystrophy type 2J. Last evaluated: 2023-09-29. Review status: criteria provided, single submitter. Criteria: Invitae Variant Classification Sherloc (09022015). Collection method: clinical testing. Allele origin: germline.
Comment: This sequence change creates a premature translational stop signal (p.Glu20971*) in the TTN gene. While this is not anticipated to result in nonsense mediated decay, it is expected to create a truncated TTN protein. In summary, the currently available evidence indicates that the variant is pathogenic, but additional data are needed to prove that conclusively. Therefore, this variant has been classified as Likely Pathogenic. This variant is located in the A band of TTN (PMID: 25589632). Truncating variants in this region are significantly overrepresented in patients affected with dilated cardiomyopathy (PMID: 25589632). Truncating variants in this region have also been reported in individuals affected with autosomal recessive centronuclear myopathy (PMID: 23975875). This variant has not been reported in the literature in individuals affected with TTN-related conditions. This variant is not present in population databases (gnomAD no frequency).

Literature cited by the submitters: PubMed 25589632; PubMed 23975875.